The following is an entry in ClinVar:

NM_003809.3(TNFSF12):c.600G>C (p.Ala200=)

Genes: TNFSF12-TNFSF13 (TNFSF12-TNFSF13 readthrough; plus strand), TNFSF12 (TNF superfamily member 12; plus strand). Cytogenetic location: 17p13.1.
Variant type: single nucleotide variant.
Coding change: c.600G>C on transcript NM_003809.3 (MANE Select); coding-DNA position 600, G replaced by C.
Protein change: p.Ala200=; no amino-acid change (alanine 200 retained).
Molecular consequence: synonymous variant. On other transcripts: non-coding transcript variant (1), intron variant (1).
Genome position (GRCh38, 1-based): chr17:7,557,200, G>C. VCF-style: chr17-7557200-G-C. GRCh37 (hg19) VCF-style: chr17-7460517-G-C.
Other names: p.Ala200=; c.498+298G>C (NM_172089.4).
Identifiers: ClinVar variation 512840 (VCV000512840.15), dbSNP rs3803798, ClinGen allele CA8350883.
Genomic context (GRCh38, chr17:7,557,200, plus strand): 5'-CTTGCTGGTGGATGGTGTGCTGGCCCTGCGCTGCCTGGAGGAATTCTCAGCCACTGCGGC[G>C]AGTTCCCTCGGGCCCCAGCTCCGCCTCTGCCAGGTGTCTGGGCTGTTGGCCCTGCGGCCA-3'
Protein context (NP_003800.1, residues 190-210): RCLEEFSATA[Ala200=]SSLGPQLRLC

ClinVar aggregate classification (germline): Benign. Review status: criteria provided, multiple submitters, no conflicts (2 of 4 stars). 6 submissions from 6 submitters: Benign (6). Last evaluated 2026-02-04.

Conditions:
Common variable immunodeficiency (CVID). Also called: Common variable hypogamma-globulinemia; Common variable agammaglobulinemia. Identifiers: Orphanet 1572, MedGen C0009447, MONDO:0015517.

Allele frequency attached by ClinVar (database versions not stated): ESP Exome Variant Server 0.50038; gnomAD 0.50487 and 0.51069; TOPMed 0.51466; ExAC 0.54369; 1000 Genomes Project 30x 0.54419; 1000 Genomes Project 0.54752; gnomAD exomes 0.54802.
gnomAD v4.1: 836,765 of 1,613,244 alleles (52%); highest among the groups gnomAD compares: Admixed American, 63%; 218,646 homozygotes.

Submissions (6):

Labcorp Genetics (formerly Invitae), Labcorp
Classification: Benign for Common variable immunodeficiency. Last evaluated: 2026-02-04. Review status: criteria provided, single submitter. Criteria: Invitae Variant Classification Sherloc (09022015). Collection method: clinical testing. Allele origin: germline.

Women's Health and Genetics/Laboratory Corporation of America, LabCorp
Classification: Benign. Last evaluated: 2026-01-21. Review status: criteria provided, single submitter. Criteria: LabCorp Variant Classification Summary - May 2015. Collection method: clinical testing. Allele origin: germline.

Unidad de Genómica Garrahan, Hospital de Pediatría Garrahan
Classification: Benign. Last evaluated: 2024-01-24. Review status: criteria provided, single submitter. Criteria: ACMG Guidelines, 2015. Collection method: clinical testing. Allele origin: germline. Affected: no. Observed: 82 variant alleles.
Comment: This variant is classified as Benign based on local population frequency. This variant was detected in 86% of patients studied by a panel of primary immunodeficiencies. Number of patients: 82. Only high quality variants are reported.

GeneDx
Classification: Benign. Last evaluated: 2018-02-21. Review status: criteria provided, single submitter. Criteria: GeneDx Variant Classification (06012015). Collection method: clinical testing. Allele origin: germline. Affected: yes.
Comment: This variant is considered likely benign or benign based on one or more of the following criteria: it is a conservative change, it occurs at a poorly conserved position in the protein, it is predicted to be benign by multiple in silico algorithms, and/or has population frequency not consistent with disease.

Mayo Clinic Laboratories, Mayo Clinic
Classification: Benign. Last evaluated: 2016-10-04. Review status: criteria provided, single submitter. Criteria: ACMG Guidelines, 2015. Collection method: clinical testing. Allele origin: germline. Observed: 97 variant alleles.

Breakthrough Genomics
Classification: Benign. Review status: criteria provided, single submitter. Criteria: ACMG Guidelines, 2015. Collection method: not provided. Allele origin: germline. Inheritance: Unknown mechanism. Affected: yes.